The following is an entry in ClinVar:

ClinVar aggregate classification (germline): Uncertain significance (1 of 4 stars; one submission).

Conditions:
Developmental and epileptic encephalopathy, 68. Also called: EPILEPTIC ENCEPHALOPATHY, EARLY INFANTILE, 68. Identifiers: MedGen C4748688, MONDO:0032598, OMIM 618201.

gnomAD v4.1: 18 of 1,613,976 alleles (0.0011%); highest among the groups gnomAD compares: Admixed American, 0.0017%; no homozygotes.

Submission:

OLLIN Analises Genomicas, OLLIN
Classification: Uncertain significance for Developmental and epileptic encephalopathy, 68. Last evaluated: 2026-08-06. Review status: criteria provided, single submitter. Criteria: ACMG Guidelines 2015 PMID 25741868. Collection method: clinical testing. Allele origin: germline.
Comment: This nonsense variant, located in exon 16 (of 16), has been observed in gnomAD with an allele frequency of 0.0011%, but has not been reported in ClinVar or identified in the literature. This variant introduces a premature stop codon, which is predicted to result in either a truncated protein or degradation of the mRNA via nonsense-mediated decay (NMD). According to the currently available evidence, this variant has been classified as uncertain significance (PVS1_M, PM2_P).

NM_001042646.3(TRAK1):c.2578C>T (p.Arg860Ter)

Gene: TRAK1 (trafficking kinesin protein 1; plus strand). Cytogenetic location: 3p22.1.
Variant type: single nucleotide variant.
Coding change: c.2578C>T on transcript NM_001042646.3 (MANE Select); coding-DNA position 2578, C replaced by T.
Protein change: p.Arg860Ter; replaces arginine 860 with a stop codon.
Molecular consequence: nonsense. On other transcripts: 3 prime UTR variant (1), non-coding transcript variant (1).
Genome position (GRCh38, 1-based): chr3:42,223,453, C>T. VCF-style: chr3-42223453-C-T. GRCh37 (hg19) VCF-style: chr3-42264945-C-T.
Other names: c.2203C>T, p.Arg735Ter (NM_001349245.1); c.2515C>T, p.Arg839Ter (NM_001349246.2); c.*532C>T (NM_001349247.2); c.2293C>T, p.Arg765Ter (NM_001349248.1); c.2356C>T, p.Arg786Ter (NM_001349249.1); c.2404C>T, p.Arg802Ter (NM_001410741.1); short protein forms R839*, R860*, R765*, R786*, R735*, R802*.
Identifiers: ClinVar variation 5002977 (VCV005002977.1).
Genomic context (GRCh38, chr3:42,223,453, plus strand): 5'-AACCTCAACCTCGTGGACAAAGTCAGGAGGTTTGGGGTGGCCAAAGTGGTGAACTCAGGG[C>T]GAGCCCATGTCCCCACCTTGACTGAGGAGCAGGGACCCCTCCTCTGTGGGCCCCCGGGGC-3'